The following is an entry in ClinVar:

NM_001083614.2(EARS2):c.1283del (p.Pro428fs)

Gene: EARS2 (glutamyl-tRNA synthetase 2, mitochondrial; minus strand). Cytogenetic location: 16p12.2.
Variant type: Deletion.
Coding change: c.1283del on transcript NM_001083614.2 (MANE Select); coding-DNA position 1283, one base deleted (C; older notation c.1283delC).
Protein change: p.Pro428fs; shifts the reading frame from proline 428.
Molecular consequence: frameshift variant. On other transcripts: non-coding transcript variant (1).
Genome position (GRCh38, 1-based): chr16:23,529,571, G deleted on the plus strand (C on the coding strand, the reverse complement: EARS2 is on the minus strand); the first of 3 consecutive G bases (chr16:23,529,571-23,529,573); deleting any one gives the same sequence. VCF-style (leftmost placement, unchanged base first): chr16-23529570-AG-A. GRCh37 (hg19) VCF-style: chr16-23540891-AG-A.
Other names: c.1283del, p.Pro428fs (NM_001308211.1); c.1283delC (NM_001083614.2); short protein forms P428fs.
Identifiers: ClinVar variation 973189 (VCV000973189.4), dbSNP rs1965287605, ClinGen allele CA1139664605.
Genomic context (GRCh38, chr16:23,529,570, plus strand): 5'-ACGCTTGGCAATCACATCCACCTTCTCCGAGATGGCGTCCAGCTGTGCTCGACCTACTGC[AG>A]GGCGAGTCCACAGGTAAGAGTATACTGGGGACACCAAGTCCTGCAGGCGGCAAATGTGAC-3'

ClinVar aggregate classification (germline): Pathogenic (0 of 4 stars; one submission).

Conditions:
Leukoencephalopathy-thalamus and brainstem anomalies-high lactate syndrome. Also called: LEUKOENCEPHALOPATHY WITH THALAMUS AND BRAINSTEM INVOLVEMENT AND HIGH LACTATE; Combined oxidative phosphorylation deficiency 12. Identifiers: Orphanet 314051, MedGen C4706421, MONDO:0013971, OMIM 614924.

Submission:

Istanbul Faculty of Medicine, Istanbul University
Classification: Pathogenic for Combined oxidative phosphorylation deficiency 12. Last evaluated: 2020-03-30. Review status: no assertion criteria provided. Collection method: clinical testing. Allele origin: germline. Affected: yes and no. Observed: 2 variant alleles.
Comment: In compound heterozygous form with Likely pathogenic variant NM_001083614.2:c.319C>T

Literature cited by the submitters: PubMed 37377599.